The following is an entry in ClinVar:

ClinVar aggregate classification (germline): Uncertain significance (1 of 4 stars; one submission).

Conditions:
Spastic paraplegia. Identifiers: MedGen C0037772, HP:0001258.

Submission:

Labcorp Genetics (formerly Invitae), Labcorp
Classification: Uncertain significance for Spastic paraplegia. Last evaluated: 2020-10-19. Review status: criteria provided, single submitter. Criteria: Invitae Variant Classification Sherloc (09022015). Collection method: clinical testing. Allele origin: germline.
Comment: In summary, the available evidence is currently insufficient to determine the role of this variant in disease. Therefore, it has been classified as a Variant of Uncertain Significance. Algorithms developed to predict the effect of missense changes on protein structure and function (SIFT, PolyPhen-2, Align-GVGD) all suggest that this variant is likely to be tolerated, but these predictions have not been confirmed by published functional studies and their clinical significance is uncertain. This variant has been observed in individual(s) with clinical features of hereditary spastic paraplegia (PMID: 21623771, Invitae). It has also been observed to segregate with disease in related individuals. This variant is not present in population databases (ExAC no frequency). This sequence change replaces valine with leucine at codon 231 of the KIF5A protein (p.Val231Leu). The valine residue is moderately conserved and there is a small physicochemical difference between valine and leucine.

Literature cited by the submitters: PubMed 21623771.

NM_004984.4(KIF5A):c.691G>T (p.Val231Leu)

Gene: KIF5A (kinesin family member 5A; plus strand). Cytogenetic location: 12q13.3.
Variant type: single nucleotide variant.
Coding change: c.691G>T on transcript NM_004984.4 (MANE Select); coding-DNA position 691, G replaced by T.
Protein change: p.Val231Leu; replaces valine 231 with leucine.
Molecular consequence: missense variant.
Genome position (GRCh38, 1-based): chr12:57,567,595, G>T. VCF-style: chr12-57567595-G-T. GRCh37 (hg19) VCF-style: chr12-57961378-G-T.
Other names: c.424G>T, p.Val142Leu (NM_001354705.2); short protein forms V142L, V231L.
Identifiers: ClinVar variation 1052310 (VCV001052310.9), dbSNP rs2140161619, ClinGen allele CA385499501.